The following is an entry in ClinVar:

ClinVar aggregate classification (germline): Uncertain significance. Review status: criteria provided, multiple submitters, no conflicts (2 of 4 stars). 2 submissions from 2 submitters: Uncertain significance (2). Last evaluated 2024-05-15.

Conditions:
RASopathy. Also called: rasopathies; Noonan spectrum disorder. Identifiers: Orphanet 536391, MedGen C5555857, MONDO:0021060.

Submissions (2):

Labcorp Genetics (formerly Invitae), Labcorp
Classification: Uncertain significance for RASopathy. Last evaluated: 2024-05-15. Review status: criteria provided, single submitter. Criteria: Invitae Variant Classification Sherloc (09022015). Collection method: clinical testing. Allele origin: germline.
Comment: This sequence change replaces lysine, which is basic and polar, with isoleucine, which is neutral and non-polar, at codon 483 of the RAF1 protein (p.Lys483Ile). This variant is not present in population databases (gnomAD no frequency). This variant has not been reported in the literature in individuals affected with RAF1-related conditions. ClinVar contains an entry for this variant (Variation ID: 1309786). Advanced modeling of protein sequence and biophysical properties (such as structural, functional, and spatial information, amino acid conservation, physicochemical variation, residue mobility, and thermodynamic stability) performed at Invitae indicates that this missense variant is expected to disrupt RAF1 protein function with a positive predictive value of 95%. In summary, the available evidence is currently insufficient to determine the role of this variant in disease. Therefore, it has been classified as a Variant of Uncertain Significance.

GeneDx
Classification: Uncertain significance. Last evaluated: 2019-10-31. Review status: criteria provided, single submitter. Criteria: GeneDx Variant Classification Process June 2021. Collection method: clinical testing. Allele origin: germline. Affected: yes.
Comment: Has not been previously published as pathogenic or benign to our knowledge; Not observed in large population cohorts (Lek et al., 2016); Missense variants in this gene are commonly considered pathogenic (Stenson et al., 2014); In silico analysis, which includes protein predictors and evolutionary conservation, supports a deleterious effect

NM_002880.4(RAF1):c.1448A>T (p.Lys483Ile)

Gene: RAF1 (Raf-1 proto-oncogene, serine/threonine kinase; minus strand). Cytogenetic location: 3p25.2.
Variant type: single nucleotide variant.
Coding change: c.1448A>T on transcript NM_002880.4 (MANE Select); coding-DNA position 1448, A replaced by T.
Protein change: p.Lys483Ile; replaces lysine 483 with isoleucine.
Molecular consequence: missense variant. On other transcripts: non-coding transcript variant (3).
Genome position (GRCh38, 1-based): chr3:12,585,769, T>A on the plus strand (A>T on the coding strand, the complement: RAF1 is on the minus strand). VCF-style: chr3-12585769-T-A. GRCh37 (hg19) VCF-style: chr3-12627268-T-A.
Other names: c.1508A>T, p.Lys503Ile (NM_001354689.3); c.1448A>T, p.Lys483Ile (NM_001354690.3); c.1205A>T, p.Lys402Ile (NM_001354691.3, NM_001354692.3); c.1349A>T, p.Lys450Ile (NM_001354693.3); c.1265A>T, p.Lys422Ile (NM_001354694.3); c.1106A>T, p.Lys369Ile (NM_001354695.3); short protein forms K369I, K402I, K422I, K450I, K483I, K503I.
Identifiers: ClinVar variation 1309786 (VCV001309786.4), dbSNP rs2125326352, ClinGen allele CA351499189.